The following is an entry in ClinVar:

ClinVar aggregate classification (germline): Uncertain significance (1 of 4 stars; one submission).

Allele frequency attached by ClinVar (database versions not stated): gnomAD exomes below 0.00001; TOPMed below 0.00001.
gnomAD v4.1: 5 of 1,613,872 alleles (0.00031%); highest among the groups gnomAD compares: South Asian, 0.0011%; no homozygotes.

Submission:

Labcorp Genetics (formerly Invitae), Labcorp
Classification: Uncertain significance. Last evaluated: 2020-12-20. Review status: criteria provided, single submitter. Criteria: Invitae Variant Classification Sherloc (09022015). Collection method: clinical testing. Allele origin: germline.
Comment: This sequence change replaces glycine with arginine at codon 554 of the CLCN6 protein (p.Gly554Arg). The glycine residue is highly conserved and there is a moderate physicochemical difference between glycine and arginine. This variant is not present in population databases (ExAC no frequency). This variant has not been reported in the literature in individuals with CLCN6-related conditions. Algorithms developed to predict the effect of missense changes on protein structure and function are either unavailable or do not agree on the potential impact of this missense change (SIFT: "Tolerated"; PolyPhen-2: "Probably Damaging"; Align-GVGD: "Class C0"). Algorithms developed to predict the effect of sequence changes on RNA splicing suggest that this variant may create or strengthen a splice site, but this prediction has not been confirmed by published transcriptional studies. In summary, the available evidence is currently insufficient to determine the role of this variant in disease. Therefore, it has been classified as a Variant of Uncertain Significance.

NM_001286.5(CLCN6):c.1660G>A (p.Gly554Arg)

Gene: CLCN6 (chloride voltage-gated channel 6; plus strand). Cytogenetic location: 1p36.22.
Variant type: single nucleotide variant.
Coding change: c.1660G>A on transcript NM_001286.5 (MANE Select); coding-DNA position 1660, G replaced by A.
Protein change: p.Gly554Arg; replaces glycine 554 with arginine.
Molecular consequence: missense variant. On other transcripts: non-coding transcript variant (1).
Genome position (GRCh38, 1-based): chr1:11,834,369, G>A. VCF-style: chr1-11834369-G-A. GRCh37 (hg19) VCF-style: chr1-11894426-G-A.
Other names: c.1594G>A, p.Gly532Arg (NM_001256959.2); short protein forms G554R, G532R.
Identifiers: ClinVar variation 1495421 (VCV001495421.8), dbSNP rs1644918914, ClinGen allele CA338435959.